The following is an entry in ClinVar:

ClinVar aggregate classification (germline): Uncertain significance. Review status: criteria provided, multiple submitters, no conflicts (2 of 4 stars). 2 submissions from 2 submitters: Uncertain significance (2). Last evaluated 2025-09-28.

Conditions:
Colorectal cancer, hereditary nonpolyposis, type 7. Identifiers: Orphanet 144, MedGen C1858380, MONDO:0013725, OMIM 614385.

Allele frequency attached by ClinVar (database versions not stated): ExAC 0.00001; gnomAD exomes below 0.00001; gnomAD 0.00001; TOPMed 0.00001.

Submissions (2):

Labcorp Genetics (formerly Invitae), Labcorp
Classification: Uncertain significance for Colorectal cancer, hereditary nonpolyposis, type 7. Last evaluated: 2025-09-28. Review status: criteria provided, single submitter. Criteria: Invitae Variant Classification Sherloc (09022015). Collection method: clinical testing. Allele origin: germline.
Comment: This sequence change replaces glutamine, which is neutral and polar, with histidine, which is basic and polar, at codon 1335 of the MLH3 protein (p.Gln1335His). This variant is not present in population databases (gnomAD no frequency). This variant has not been reported in the literature in individuals affected with MLH3-related conditions. ClinVar contains an entry for this variant (Variation ID: 1736963). An algorithm developed to predict the effect of missense changes on protein structure and function (PolyPhen-2) suggests that this variant is likely to be tolerated. In summary, the available evidence is currently insufficient to determine the role of this variant in disease. Therefore, it has been classified as a Variant of Uncertain Significance.

Ambry Genetics
Classification: Uncertain significance. Last evaluated: 2024-06-10. Review status: criteria provided, single submitter. Criteria: Ambry Variant Classification Scheme 2023. Collection method: clinical testing. Allele origin: germline.
Comment: The p.Q1335H variant (also known as c.4005A>T), located in coding exon 9 of the MLH3 gene, results from an A to T substitution at nucleotide position 4005. The glutamine at codon 1335 is replaced by histidine, an amino acid with highly similar properties. This amino acid position is highly conserved in available vertebrate species. In addition, this alteration is predicted to be tolerated by in silico analysis. Since supporting evidence is limited at this time, the clinical significance of this alteration remains unclear.

NM_001040108.2(MLH3):c.4005A>T (p.Gln1335His)

Gene: MLH3 (mutL homolog 3; minus strand). Cytogenetic location: 14q24.3.
Variant type: single nucleotide variant.
Coding change: c.4005A>T on transcript NM_001040108.2 (MANE Select); coding-DNA position 4005, A replaced by T.
Protein change: p.Gln1335His; replaces glutamine 1335 with histidine.
Molecular consequence: missense variant.
Genome position (GRCh38, 1-based): chr14:75,023,001, T>A on the plus strand (A>T on the coding strand, the complement: MLH3 is on the minus strand). VCF-style: chr14-75023001-T-A. GRCh37 (hg19) VCF-style: chr14-75489704-T-A.
Other names: c.3933A>T, p.Gln1311His (NM_014381.3); short protein forms Q1335H, Q1311H.
Identifiers: ClinVar variation 1736963 (VCV001736963.6), dbSNP rs776528711, ClinGen allele CA7275267.